The following is an entry in ClinVar:

NM_006331.8(EMG1):c.42C>G (p.Ser14Arg)

Gene: EMG1 (EMG1 N1-specific pseudouridine methyltransferase; plus strand). Cytogenetic location: 12p13.31.
Variant type: single nucleotide variant.
Coding change: c.42C>G on transcript NM_006331.8 (MANE Select); coding-DNA position 42, C replaced by G.
Protein change: p.Ser14Arg; replaces serine 14 with arginine.
Molecular consequence: missense variant. On other transcripts: non-coding transcript variant (1).
Genome position (GRCh38, 1-based): chr12:6,970,965, C>G. VCF-style: chr12-6970965-C-G. GRCh37 (hg19) VCF-style: chr12-7080128-C-G.
Other names: c.42C>G, p.Ser14Arg (NM_001320049.2); short protein forms S14R.
Identifiers: ClinVar variation 3040045 (VCV003040045.2), dbSNP rs782249279, ClinGen allele CA232443118.

ClinVar aggregate classification (germline): Likely benign (0 of 4 stars; one submission).

Conditions:
EMG1-related disorder. Also called: EMG1-related condition.

Allele frequency attached by ClinVar (database versions not stated): TOPMed below 0.00001.
gnomAD v4.1: 5 of 1,612,874 alleles (0.00031%); highest among the groups gnomAD compares: Non-Finnish European, 0.00042%; no homozygotes.

Submission:

PreventionGenetics, part of Exact Sciences
Classification: Likely benign for EMG1-related condition. Last evaluated: 2019-09-17. Review status: no assertion criteria provided. Collection method: clinical testing. Allele origin: germline.
Comment: This variant is classified as likely benign based on ACMG/AMP sequence variant interpretation guidelines (Richards et al. 2015 PMID: 25741868, with internal and published modifications).